The following is an entry in ClinVar:

ClinVar aggregate classification (germline): Likely benign (0 of 4 stars; one submission).

Conditions:
HNF4A-related disorder. Also called: HNF4A-related condition.

Submission:

PreventionGenetics, part of Exact Sciences
Classification: Likely benign for HNF4A-related condition. Last evaluated: 2020-11-09. Review status: no assertion criteria provided. Collection method: clinical testing. Allele origin: germline.
Comment: This variant is classified as likely benign based on ACMG/AMP sequence variant interpretation guidelines (Richards et al. 2015 PMID: 25741868, with internal and published modifications).

NM_175914.5(HNF4A):c.138G>T (p.Thr46=)

Gene: HNF4A (hepatocyte nuclear factor 4 alpha; plus strand). Cytogenetic location: 20q13.12.
Variant type: single nucleotide variant.
Coding change: c.138G>T on transcript NM_175914.5 (MANE Select); coding-DNA position 138, G replaced by T.
Protein change: p.Thr46=; no amino-acid change (threonine 46 retained).
Molecular consequence: synonymous variant.
Genome position (GRCh38, 1-based): chr20:44,406,146, G>T. VCF-style: chr20-44406146-G-T. GRCh37 (hg19) VCF-style: chr20-43034786-G-T.
Other names: c.204G>T, p.Thr68= (NM_000457.6, NM_178849.3, NM_178850.3); c.138G>T, p.Thr46= (NM_001030003.3, NM_001030004.3); c.183G>T, p.Thr61= (NM_001258355.2); c.129G>T, p.Thr43= (NM_001287182.2, NM_001287183.2, NM_001287184.2).
Identifiers: ClinVar variation 3030196 (VCV003030196.2), dbSNP rs145845882, ClinGen allele CA510582242.
Genomic context (GRCh38, chr20:44,406,146, plus strand): 5'-CAACGCGCCCAACAGCCTGGGTGTCAGCGCCCTGTGTGCCATCTGCGGGGACCGGGCCAC[G>T]GGCAAACACTACGGTGCCTCGAGCTGTGACGGCTGCAAGGGCTTCTTCCGGAGGAGCGTG-3'
Protein context (NP_787110.2, residues 36-56): ALCAICGDRA[Thr46=]GKHYGASSCD